The following is an entry in ClinVar:

NM_001267550.2(TTN):c.104128T>C (p.Tyr34710His)

Genes: TTN (titin; minus strand), TTN-AS1 (TTN antisense RNA 1; plus strand). Cytogenetic location: 2q31.2.
Variant type: single nucleotide variant.
Coding change: c.104128T>C on transcript NM_001267550.2 (MANE Select); coding-DNA position 104128, T replaced by C.
Protein change: p.Tyr34710His; replaces tyrosine 34710 with histidine.
Molecular consequence: missense variant.
Genome position (GRCh38, 1-based): chr2:178,532,487, A>G on the plus strand (T>C on the coding strand, the complement: TTN is on the minus strand). VCF-style: chr2-178532487-A-G. GRCh37 (hg19) VCF-style: chr2-179397214-A-G.
Other names: c.99205T>C, p.Tyr33069His (NM_001256850.1); c.76933T>C, p.Tyr25645His (NM_003319.4); c.96424T>C, p.Tyr32142His (NM_133378.4); c.77308T>C, p.Tyr25770His (NM_133432.3); c.77509T>C, p.Tyr25837His (NM_133437.4); short protein forms Y25770H, Y25645H, Y25837H, Y32142H, Y33069H, Y34710H.
Identifiers: ClinVar variation 2942850 (VCV002942850.3), dbSNP rs2468454537, ClinGen allele CA349412417.
Genomic context (GRCh38, chr2:178,532,487, plus strand): 5'-TTGAATACCTGAAGTCTTTTCTTGTTTCCTCCACCTTGACATGAGCTTGTGGTGAAGAGT[A>G]ACGTAGGCTAGAAAGCTCAAAGTGTGGAGGGCTTCGACTTGGGGGTGAAGCTGAAAAACC-3'
Protein context (NP_001254479.2, residues 34700-34720): PPHFELSSLR[Tyr34710His]SSPQAHVKVE

ClinVar aggregate classification (germline): Uncertain significance (1 of 4 stars; one submission).

Conditions:
Dilated cardiomyopathy 1G (CMD1G). Identifiers: Orphanet 154, MedGen C1858763, MONDO:0011400, OMIM 604145.
Autosomal recessive limb-girdle muscular dystrophy type 2J (LGMDR10). Also called: MUSCULAR DYSTROPHY, LIMB-GIRDLE, AUTOSOMAL RECESSIVE 10; Limb-girdle muscular dystrophy, type 2J. Identifiers: Orphanet 140922, MedGen C1837342, MONDO:0012127, OMIM 608807.

Allele frequency attached by ClinVar (database versions not stated): gnomAD exomes 0.00001.
gnomAD v4.1: 11 of 1,614,016 alleles (0.00068%); highest among the groups gnomAD compares: Non-Finnish European, 0.00093%; no homozygotes.

Submission:

Labcorp Genetics (formerly Invitae), Labcorp
Classification: Uncertain significance for Dilated cardiomyopathy 1G; Autosomal recessive limb-girdle muscular dystrophy type 2J. Last evaluated: 2022-12-31. Review status: criteria provided, single submitter. Criteria: Invitae Variant Classification Sherloc (09022015). Collection method: clinical testing. Allele origin: germline.
Comment: Experimental studies and prediction algorithms are not available or were not evaluated, and the functional significance of this variant is currently unknown. This variant has not been reported in the literature in individuals affected with TTN-related conditions. This variant is not present in population databases (gnomAD no frequency). This sequence change replaces tyrosine, which is neutral and polar, with histidine, which is basic and polar, at codon 34710 of the TTN protein (p.Tyr34710His). In summary, the available evidence is currently insufficient to determine the role of this variant in disease. Therefore, it has been classified as a Variant of Uncertain Significance. This variant is located in the M band of TTN (PMID: 25589632). Variants in this region may be relevant for neuromuscular disorders, but have not been definitively shown to cause cardiomyopathy (PMID: 23975875).

Literature cited by the submitters: PubMed 25589632; PubMed 23975875.